The following is an entry in ClinVar:

NM_000492.4(CFTR):c.3073G>T (p.Ala1025Ser)

Genes: CFTR (CF transmembrane conductance regulator; plus strand), CFTR-AS2 (CFTR antisense RNA 2; minus strand), LOC111674472 (DNase I hypersensitive sites in introns 16 and 17a of CFTR; plus strand). Cytogenetic location: 7q31.2.
Variant type: single nucleotide variant.
Coding change: c.3073G>T on transcript NM_000492.4 (MANE Select); coding-DNA position 3073, G replaced by T.
Protein change: p.Ala1025Ser; replaces alanine 1025 with serine.
Molecular consequence: missense variant.
Genome position (GRCh38, 1-based): chr7:117,610,603, G>T. VCF-style: chr7-117610603-G-T. GRCh37 (hg19) VCF-style: chr7-117250657-G-T.
Other names: short protein forms A1025S.
Identifiers: ClinVar variation 1727284 (VCV001727284.6), dbSNP rs1319259748, ClinGen allele CA368990726.

ClinVar aggregate classification (germline): Uncertain significance. Review status: criteria provided, multiple submitters, no conflicts (2 of 4 stars). 4 submissions from 4 submitters: Uncertain significance (4). Last evaluated 2025-01-08.

Conditions:
Cystic fibrosis (CF). Also called: MUCOVISCIDOSIS. Identifiers: Orphanet 586, MedGen C0010674, MONDO:0009061, OMIM 219700. Disease mechanism: loss of function.

Allele frequency attached by ClinVar (database versions not stated): gnomAD 0.00001; gnomAD exomes 0.00001; TOPMed 0.00001.
gnomAD v4.1: 4 of 1,613,402 alleles (0.00025%); highest among the groups gnomAD compares: Admixed American, 0.0067%; no homozygotes.

Submissions (4):

Labcorp Genetics (formerly Invitae), Labcorp
Classification: Uncertain significance for Cystic fibrosis. Last evaluated: 2025-01-08. Review status: criteria provided, single submitter. Criteria: Invitae Variant Classification Sherloc (09022015). Collection method: clinical testing. Allele origin: germline.
Comment: This sequence change replaces alanine, which is neutral and non-polar, with serine, which is neutral and polar, at codon 1025 of the CFTR protein (p.Ala1025Ser). This variant is present in population databases (no rsID available, gnomAD 0.006%). This variant has not been reported in the literature in individuals affected with CFTR-related conditions. ClinVar contains an entry for this variant (Variation ID: 1727284). Invitae Evidence Modeling of protein sequence and biophysical properties (such as structural, functional, and spatial information, amino acid conservation, physicochemical variation, residue mobility, and thermodynamic stability) indicates that this missense variant is not expected to disrupt CFTR protein function with a negative predictive value of 80%. In summary, the available evidence is currently insufficient to determine the role of this variant in disease. Therefore, it has been classified as a Variant of Uncertain Significance.

ARUP Laboratories, Molecular Genetics and Genomics, ARUP Laboratories
Classification: Uncertain significance. Last evaluated: 2024-05-09. Review status: criteria provided, single submitter. Criteria: ARUP Molecular Germline Variant Investigation Process 2024. Collection method: clinical testing. Allele origin: germline.
Comment: The CFTR c.3073G>T; p.Ala1025Ser variant (rs1319259748), to our knowledge, is not reported in the medical literature but is reported in ClinVar (Variation ID: 1727284). This variant is found in the Latino population with an allele frequency of 0.006% (2/34,486 alleles) in the Genome Aggregation Database (v2.1.1). Computational analyses are uncertain whether this variant is neutral or deleterious (REVEL: 0.416). Due to limited information, the clinical significance of this variant is uncertain at this time.

Ambry Genetics
Classification: Uncertain significance for Cystic fibrosis. Last evaluated: 2023-05-09. Review status: criteria provided, single submitter. Criteria: Ambry Variant Classification Scheme 2023. Collection method: clinical testing. Allele origin: germline.
Comment: The p.A1025S variant (also known as c.3073G>T), located in coding exon 19 of the CFTR gene, results from a G to T substitution at nucleotide position 3073. The alanine at codon 1025 is replaced by serine, an amino acid with similar properties. This amino acid position is not well conserved in available vertebrate species. In addition, the in silico prediction for this alteration is inconclusive. Since supporting evidence is limited at this time, the clinical significance of this alteration remains unclear.

Women's Health and Genetics/Laboratory Corporation of America, LabCorp
Classification: Uncertain significance. Last evaluated: 2023-03-20. Review status: criteria provided, single submitter. Criteria: LabCorp Variant Classification Summary - May 2015. Collection method: clinical testing. Allele origin: germline.
Comment: Variant summary: CFTR c.3073G>T (p.Ala1025Ser) results in a conservative amino acid change located in the ABC transporter type 1, transmembrane domain of the encoded protein sequence. Two of four in-silico tools predict a benign effect of the variant on protein function. The variant allele was found at a frequency of 8e-06 in 251028 control chromosomes. The available data on variant occurrences in the general population are insufficient to allow any conclusion about variant significance. To our knowledge, no occurrence of c.3073G>T in individuals affected with Cystic Fibrosis and no experimental evidence demonstrating its impact on protein function have been reported. One clinical diagnostic laboratory has submitted clinical-significance assessments for this variant to ClinVar after 2014 without evidence for independent evaluation. One laboratory classified the variant as uncertain significance. Based on the evidence outlined above, the variant was classified as uncertain significance.